The following is an entry in ClinVar:

NM_021930.6(RINT1):c.425T>C (p.Met142Thr)

Gene: RINT1 (RAD50 interactor 1; plus strand). Cytogenetic location: 7q22.3.
Variant type: single nucleotide variant.
Coding change: c.425T>C on transcript NM_021930.6 (MANE Select); coding-DNA position 425, T replaced by C.
Protein change: p.Met142Thr; replaces methionine 142 with threonine.
Molecular consequence: missense variant. On other transcripts: 5 prime UTR variant (3), non-coding transcript variant (1).
Genome position (GRCh38, 1-based): chr7:105,542,559, T>C. VCF-style: chr7-105542559-T-C. GRCh37 (hg19) VCF-style: chr7-105183006-T-C.
Other names: c.191T>C, p.Met64Thr (NM_001346599.2); c.-595T>C (NM_001346600.2); c.-498T>C (NM_001346601.2); c.-118T>C (NM_001346603.2); short protein forms M142T, M64T.
Identifiers: ClinVar variation 2045289 (VCV002045289.4), dbSNP rs2485112849, ClinGen allele CA368803583.

ClinVar aggregate classification (germline): Uncertain significance (1 of 4 stars; one submission).

Submission:

Labcorp Genetics (formerly Invitae), Labcorp
Classification: Uncertain significance. Last evaluated: 2021-12-17. Review status: criteria provided, single submitter. Criteria: Invitae Variant Classification Sherloc (09022015). Collection method: clinical testing. Allele origin: germline.
Comment: This sequence change replaces methionine, which is neutral and non-polar, with threonine, which is neutral and polar, at codon 142 of the RINT1 protein (p.Met142Thr). This variant is not present in population databases (gnomAD no frequency). This variant has not been reported in the literature in individuals affected with RINT1-related conditions. Algorithms developed to predict the effect of missense changes on protein structure and function (SIFT, PolyPhen-2, Align-GVGD) all suggest that this variant is likely to be tolerated. In summary, the available evidence is currently insufficient to determine the role of this variant in disease. Therefore, it has been classified as a Variant of Uncertain Significance.